The following is an entry in ClinVar:

ClinVar aggregate classification (germline): Likely pathogenic. Review status: criteria provided, single submitter (1 of 4 stars). 2 submissions from 2 submitters: Likely pathogenic (1). 1 of the submissions does not count toward it. Last evaluated 2025-09-10.

Conditions:
Dilated cardiomyopathy 1G (CMD1G). Identifiers: Orphanet 154, MedGen C1858763, MONDO:0011400, OMIM 604145.
Autosomal recessive limb-girdle muscular dystrophy type 2J (LGMDR10). Also called: Limb-girdle muscular dystrophy, type 2J; MUSCULAR DYSTROPHY, LIMB-GIRDLE, AUTOSOMAL RECESSIVE 10. Identifiers: Orphanet 140922, MedGen C1837342, MONDO:0012127, OMIM 608807.

Submissions (2):

Labcorp Genetics (formerly Invitae), Labcorp
Classification: Likely pathogenic for Dilated cardiomyopathy 1G; Autosomal recessive limb-girdle muscular dystrophy type 2J. Last evaluated: 2025-09-10. Review status: criteria provided, single submitter. Criteria: Invitae Variant Classification Sherloc (09022015). Collection method: clinical testing. Allele origin: germline.
Comment: This sequence change creates a premature translational stop signal (p.Trp15704*) in the TTN gene. While this is not anticipated to result in nonsense mediated decay, it is expected to create a truncated TTN protein. This variant is not present in population databases (gnomAD no frequency). This variant has not been reported in the literature in individuals affected with TTN-related conditions. ClinVar contains an entry for this variant (Variation ID: 2921674). This variant is located in the A band of TTN (PMID: 25589632). Truncating variants in this region are significantly overrepresented in patients affected with dilated cardiomyopathy (PMID: 25589632). Truncating variants in this region have also been reported in individuals affected with autosomal recessive centronuclear myopathy (PMID: 23975875). In summary, the currently available evidence indicates that the variant is pathogenic, but additional data are needed to prove that conclusively. Therefore, this variant has been classified as Likely Pathogenic.

Cardiogenetics and Myogenetics Molecular and Cellular Functional Unit, Aphp Sorbonne University-Hopital Pitie Salpetriere
Classification: Likely pathogenic for Dilated cardiomyopathy 1G. Last evaluated: 2024-01-06. Review status: no assertion criteria provided. Collection method: clinical testing. Allele origin: germline. Affected: yes. Not counted in ClinVar's aggregate classification.

Literature cited by the submitters: PubMed 25589632 (cited by Labcorp Genetics (formerly Invitae), Labcorp); PubMed 23975875 (cited by Labcorp Genetics (formerly Invitae), Labcorp).

NM_001267550.2(TTN):c.47112G>A (p.Trp15704Ter)

Genes: TTN (titin; minus strand), TTN-AS1 (TTN antisense RNA 1; plus strand). Cytogenetic location: 2q31.2.
Variant type: single nucleotide variant.
Coding change: c.47112G>A on transcript NM_001267550.2 (MANE Select); coding-DNA position 47112, G replaced by A.
Protein change: p.Trp15704Ter; replaces tryptophan 15704 with a stop codon.
Molecular consequence: nonsense.
Genome position (GRCh38, 1-based): chr2:178,618,346, C>T on the plus strand (G>A on the coding strand, the complement: TTN is on the minus strand). VCF-style: chr2-178618346-C-T. GRCh37 (hg19) VCF-style: chr2-179483073-C-T.
Other names: c.42189G>A, p.Trp14063Ter (NM_001256850.1); c.19917G>A, p.Trp6639Ter (NM_003319.4); c.39408G>A, p.Trp13136Ter (NM_133378.4); c.20292G>A, p.Trp6764Ter (NM_133432.3); c.20493G>A, p.Trp6831Ter (NM_133437.4); short protein forms W13136*, W15704*, W6639*, W6831*, W6764*, W14063*.
Identifiers: ClinVar variation 2921674 (VCV002921674.4), dbSNP rs2470897843, ClinGen allele CA349619791.